The following is an entry in ClinVar:

ClinVar aggregate classification (germline): Uncertain significance. Review status: criteria provided, multiple submitters, no conflicts (2 of 4 stars). 2 submissions from 2 submitters: Uncertain significance (2). Last evaluated 2024-10-21.

Conditions:
Baraitser-winter syndrome 2. Identifiers: Orphanet 2995, MedGen C3281235, MONDO:0013812, OMIM 614583.
Autosomal dominant nonsyndromic hearing loss 20. Identifiers: Orphanet 90635, MedGen C1858172, MONDO:0011480, OMIM 604717.

Submissions (2):

GeneDx
Classification: Uncertain significance. Last evaluated: 2024-10-21. Review status: criteria provided, single submitter. Criteria: GeneDx Variant Classification Process June 2021. Collection method: clinical testing. Allele origin: germline. Affected: yes.
Comment: Not observed at significant frequency in large population cohorts (gnomAD); Has not been previously published as pathogenic or benign to our knowledge; Nonsense variant predicted to result in protein truncation or nonsense mediated decay in a gene for which loss-of-function is not a known mechanism of disease

Fulgent Genetics
Classification: Uncertain significance for Autosomal dominant nonsyndromic hearing loss 20; Baraitser-winter syndrome 2. Last evaluated: 2024-04-25. Review status: criteria provided, single submitter. Criteria: ACMG Guidelines, 2015. Collection method: clinical testing. Allele origin: germline.

NM_001614.5(ACTG1):c.787C>T (p.Gln263Ter)

Gene: ACTG1 (actin gamma 1; minus strand). Cytogenetic location: 17q25.3.
Variant type: single nucleotide variant.
Coding change: c.787C>T on transcript NM_001614.5 (MANE Select); coding-DNA position 787, C replaced by T.
Protein change: p.Gln263Ter; replaces glutamine 263 with a stop codon.
Molecular consequence: nonsense. On other transcripts: non-coding transcript variant (1).
Genome position (GRCh38, 1-based): chr17:81,511,203, G>A on the plus strand (C>T on the coding strand, the complement: ACTG1 is on the minus strand). VCF-style: chr17-81511203-G-A. GRCh37 (hg19) VCF-style: chr17-79478229-G-A.
Other names: c.787C>T (NM_001614.3); c.787C>T, p.Gln263Ter (NM_001199954.3); short protein forms Q263*.
Identifiers: ClinVar variation 3583128 (VCV003583128.2).